The following is an entry in ClinVar:

NM_001903.5(CTNNA1):c.199C>A (p.Gln67Lys)

Gene: CTNNA1 (catenin alpha 1; plus strand). Cytogenetic location: 5q31.2.
Variant type: single nucleotide variant.
Coding change: c.199C>A on transcript NM_001903.5 (MANE Select); coding-DNA position 199, C replaced by A.
Protein change: p.Gln67Lys; replaces glutamine 67 with lysine.
Molecular consequence: missense variant. On other transcripts: 5 prime UTR variant (1), intron variant (1).
Genome position (GRCh38, 1-based): chr5:138,783,270, C>A. VCF-style: chr5-138783270-C-A. GRCh37 (hg19) VCF-style: chr5-138118959-C-A.
Other names: c.199C>A, p.Gln67Lys (NM_001290307.3, NM_001323982.2, NM_001323983.1 and 3 more transcripts); c.-8C>A (NM_001290310.3); c.-9+1241C>A (NM_001290309.3); short protein forms Q67K.
Identifiers: ClinVar variation 641325 (VCV000641325.11), dbSNP rs772061558, ClinGen allele CA3431375.

ClinVar aggregate classification (germline): Conflicting classifications of pathogenicity. Review status: criteria provided, conflicting classifications (1 of 4 stars). 2 submissions from 2 submitters: Uncertain significance (1); Likely benign (1). Last evaluated 2025-07-31.

Conditions:
Hereditary cancer-predisposing syndrome. Also called: Neoplastic Syndromes, Hereditary; Tumor predisposition; Hereditary Cancer Syndrome; Hereditary neoplastic syndrome. Identifiers: Orphanet 140162, MedGen C0027672, MeSH D009386, MONDO:0015356.

Allele frequency attached by ClinVar (database versions not stated): TOPMed 0.00003; gnomAD 0.00004.
gnomAD v4.1: 8 of 1,613,956 alleles (0.0005%); highest among the groups gnomAD compares: African/African-American, 0.0093%; no homozygotes.

Submissions (2):

Labcorp Genetics (formerly Invitae), Labcorp
Classification: Uncertain significance. Last evaluated: 2025-07-31. Review status: criteria provided, single submitter. Criteria: Invitae Variant Classification Sherloc (09022015). Collection method: clinical testing. Allele origin: germline.
Comment: This sequence change replaces glutamine, which is neutral and polar, with lysine, which is basic and polar, at codon 67 of the CTNNA1 protein (p.Gln67Lys). This variant is present in population databases (rs772061558, gnomAD 0.02%). This variant has not been reported in the literature in individuals affected with CTNNA1-related conditions. ClinVar contains an entry for this variant (Variation ID: 641325). Invitae Evidence Modeling of protein sequence and biophysical properties (such as structural, functional, and spatial information, amino acid conservation, physicochemical variation, residue mobility, and thermodynamic stability) indicates that this missense variant is not expected to disrupt CTNNA1 protein function with a negative predictive value of 80%. In summary, the available evidence is currently insufficient to determine the role of this variant in disease. Therefore, it has been classified as a Variant of Uncertain Significance.

Ambry Genetics
Classification: Likely benign for Hereditary cancer-predisposing syndrome. Last evaluated: 2022-12-23. Review status: criteria provided, single submitter. Criteria: Ambry Variant Classification Scheme 2023. Collection method: clinical testing. Allele origin: germline.